The following is an entry in ClinVar:

ClinVar aggregate classification (germline): Uncertain significance. Review status: criteria provided, multiple submitters, no conflicts (2 of 4 stars). 2 submissions from 2 submitters: Uncertain significance (2). Last evaluated 2026-02-11.

Conditions:
SDCCAG8-related disorder. Also called: SDCCAG8-Related Disorders; SDCCAG8-related condition.
Bardet-Biedl syndrome 16 (BBS16). Identifiers: Orphanet 110, MedGen C3889474, MONDO:0014444, OMIM 615993.
Senior-Loken syndrome 7 (SLSN7). Identifiers: Orphanet 3156, MedGen C3150877, MONDO:0013326, OMIM 613615.

Submissions (2):

PreventionGenetics, part of Exact Sciences
Classification: Uncertain significance for SDCCAG8-related condition. Last evaluated: 2026-02-11. Review status: criteria provided, single submitter. Criteria: ACMG Guidelines, 2015. Collection method: clinical testing. Allele origin: germline.
Comment: The SDCCAG8 c.197C>T variant is predicted to result in the amino acid substitution p.Pro66Leu. To our knowledge, this variant has not been reported in the literature or in a large population database (gnomAD), indicating this variant is rare. At this time, the clinical significance of this variant is uncertain due to the absence of conclusive functional and genetic evidence.

Labcorp Genetics (formerly Invitae), Labcorp
Classification: Uncertain significance for Bardet-Biedl syndrome 16; Senior-Loken syndrome 7. Last evaluated: 2025-07-25. Review status: criteria provided, single submitter. Criteria: Invitae Variant Classification Sherloc (09022015). Collection method: clinical testing. Allele origin: germline.
Comment: This sequence change replaces proline, which is neutral and non-polar, with leucine, which is neutral and non-polar, at codon 66 of the SDCCAG8 protein (p.Pro66Leu). This variant is not present in population databases (gnomAD no frequency). This variant has not been reported in the literature in individuals affected with SDCCAG8-related conditions. Invitae Evidence Modeling of protein sequence and biophysical properties (such as structural, functional, and spatial information, amino acid conservation, physicochemical variation, residue mobility, and thermodynamic stability) indicates that this missense variant is not expected to disrupt SDCCAG8 protein function with a negative predictive value of 80%. In summary, the available evidence is currently insufficient to determine the role of this variant in disease. Therefore, it has been classified as a Variant of Uncertain Significance.

NM_006642.5(SDCCAG8):c.197C>T (p.Pro66Leu)

Gene: SDCCAG8 (SHH signaling and ciliogenesis regulator SDCCAG8; plus strand). Cytogenetic location: 1q43.
Variant type: single nucleotide variant.
Coding change: c.197C>T on transcript NM_006642.5 (MANE Select); coding-DNA position 197, C replaced by T.
Protein change: p.Pro66Leu; replaces proline 66 with leucine.
Molecular consequence: missense variant. On other transcripts: 5 prime UTR variant (4).
Genome position (GRCh38, 1-based): chr1:243,270,234, C>T. VCF-style: chr1-243270234-C-T. GRCh37 (hg19) VCF-style: chr1-243433536-C-T.
Other names: c.197C>T (NM_006642.3); c.-916C>T (NM_001350246.2); c.-804C>T (NM_001350247.2); c.197C>T, p.Pro66Leu (NM_001350248.2); c.-98C>T (NM_001350249.2); c.-1177C>T (NM_001350251.2); short protein forms P66L.
Identifiers: ClinVar variation 4782935 (VCV004782935.2).